The following is an entry in ClinVar:

ClinVar aggregate classification (germline): Likely pathogenic (1 of 4 stars; one submission).

Submission:

Labcorp Genetics (formerly Invitae), Labcorp
Classification: Likely pathogenic. Last evaluated: 2025-09-28. Review status: criteria provided, single submitter. Criteria: Invitae Variant Classification Sherloc (09022015). Collection method: clinical testing. Allele origin: germline.
Comment: This sequence change affects a donor splice site in intron 4 of the SPTB gene. It is expected to disrupt RNA splicing. Variants that disrupt the donor or acceptor splice site typically lead to a loss of protein function (PMID: 16199547), and loss-of-function variants in SPTB are known to be pathogenic (PMID: 1391962, 1498324, 8844207, 26830532, 27292444). This variant is not present in population databases (gnomAD no frequency). This variant has not been reported in the literature in individuals affected with SPTB-related conditions. ClinVar contains an entry for this variant (Variation ID: 3638435). Algorithms developed to predict the effect of sequence changes on RNA splicing suggest that this variant may disrupt the consensus splice site. In summary, the currently available evidence indicates that the variant is pathogenic, but additional data are needed to prove that conclusively. Therefore, this variant has been classified as Likely Pathogenic.

Literature cited by the submitters: PubMed 16199547; PubMed 1391962; PubMed 1498324; PubMed 8844207; PubMed 26830532; PubMed 27292444.

NM_001355436.2(SPTB):c.566+1G>T

Gene: SPTB (spectrin beta, erythrocytic; minus strand). Cytogenetic location: 14q23.3.
Variant type: single nucleotide variant.
Coding change: c.566+1G>T on transcript NM_001355436.2 (MANE Select); the canonical splice donor site of the intron after coding-DNA position 566, G replaced by T.
Molecular consequence: splice donor variant.
Genome position (GRCh38, 1-based): chr14:64,802,225, C>A on the plus strand (G>T on the coding strand, the complement: SPTB is on the minus strand). VCF-style: chr14-64802225-C-A. GRCh37 (hg19) VCF-style: chr14-65268943-C-A.
Other names: c.566+1G>T (NM_001024858.4, NM_001355437.2).
Identifiers: ClinVar variation 3638435 (VCV003638435.2).